The following is an entry in ClinVar:

ClinVar aggregate classification (germline): Uncertain significance (1 of 4 stars; one submission).

Conditions:
Porokeratosis 3, disseminated superficial actinic type (POROK3). Also called: POROKERATOSIS 3, MULTIPLE TYPES; POROKERATOSIS 3, MIBELLI TYPE; POROKERATOSIS, DISSEMINATED SUPERFICIAL ACTINIC, 1. Identifiers: MedGen C1867981, MONDO:0008293, OMIM 175900.
Mevalonic aciduria (MEVA). Identifiers: Orphanet 29, MedGen C1959626, MONDO:0012481, OMIM 610377.
Hyperimmunoglobulin D with periodic fever (HIDS). Also called: HYPERIMMUNOGLOBULINEMIA D AND PERIODIC FEVER SYNDROME; Hyperimmunoglobulinemia D; Hyperimmunoglobulinemia D with periodic fever. Identifiers: Orphanet 343, MedGen C0398691, MONDO:0009849, OMIM 260920.

Allele frequency attached by ClinVar (database versions not stated): gnomAD exomes below 0.00001.
gnomAD v4.1: 1 of 1,614,236 alleles (0.000062%); highest among the groups gnomAD compares: Admixed American, 0.0017%; no homozygotes.

Submission:

Labcorp Genetics (formerly Invitae), Labcorp
Classification: Uncertain significance for Mevalonic aciduria; Hyperimmunoglobulin D with periodic fever; Porokeratosis 3, disseminated superficial actinic type. Last evaluated: 2024-08-12. Review status: criteria provided, single submitter. Criteria: Invitae Variant Classification Sherloc (09022015). Collection method: clinical testing. Allele origin: germline.
Comment: This sequence change replaces arginine, which is basic and polar, with isoleucine, which is neutral and non-polar, at codon 194 of the MVK protein (p.Arg194Ile). This variant is not present in population databases (gnomAD no frequency). This variant has not been reported in the literature in individuals affected with MVK-related conditions. ClinVar contains an entry for this variant (Variation ID: 2120582). Advanced modeling of protein sequence and biophysical properties (such as structural, functional, and spatial information, amino acid conservation, physicochemical variation, residue mobility, and thermodynamic stability) performed at Invitae indicates that this missense variant is not expected to disrupt MVK protein function with a negative predictive value of 80%. In summary, the available evidence is currently insufficient to determine the role of this variant in disease. Therefore, it has been classified as a Variant of Uncertain Significance.

NM_000431.4(MVK):c.581G>T (p.Arg194Ile)

Gene: MVK (mevalonate kinase; plus strand). Cytogenetic location: 12q24.11.
Variant type: single nucleotide variant.
Coding change: c.581G>T on transcript NM_000431.4 (MANE Select); coding-DNA position 581, G replaced by T.
Protein change: p.Arg194Ile; replaces arginine 194 with isoleucine.
Molecular consequence: missense variant. On other transcripts: 5 prime UTR variant (1), non-coding transcript variant (4).
Genome position (GRCh38, 1-based): chr12:109,586,075, G>T. VCF-style: chr12-109586075-G-T. GRCh37 (hg19) VCF-style: chr12-110023880-G-T.
Other names: c.581G>T, p.Arg194Ile (NM_001114185.3, NM_001414511.1, NM_001414512.1 and 1 more transcripts); c.425G>T, p.Arg142Ile (NM_001301182.2, NM_001414514.1); c.-2G>T (NM_001414515.1); short protein forms R142I, R194I.
Identifiers: ClinVar variation 2120582 (VCV002120582.4), dbSNP rs2548630565, ClinGen allele CA386647650.